The following is an entry in ClinVar:

NC_000023.11:g.(?_32545149)_(32595886_?)del

Gene: DMD (dystrophin; minus strand). Cytogenetic location: Xp21.1.
Variant type: Deletion.
Identifiers: ClinVar variation 3244474 (VCV003244474.1).

ClinVar aggregate classification (germline): Pathogenic (1 of 4 stars; one submission).

Conditions:
Duchenne muscular dystrophy (DMD). Also called: MUSCULAR DYSTROPHY, PSEUDOHYPERTROPHIC PROGRESSIVE, DUCHENNE TYPE; Duchenne Muscular Dystrophy (DMD). Identifiers: Orphanet 98896, MedGen C0013264, MONDO:0010679, OMIM 310200.

Submission:

Labcorp Genetics (formerly Invitae), Labcorp
Classification: Pathogenic for Duchenne muscular dystrophy. Last evaluated: 2022-11-04. Review status: criteria provided, single submitter. Criteria: Invitae Variant Classification Sherloc (09022015). Collection method: clinical testing. Allele origin: unknown.
Comment: For these reasons, this variant has been classified as Pathogenic. A similar copy number variant has been observed in individual(s) with Duchenne muscular dystrophy (PMID: 14977063). This variant is a gross deletion of the genomic region encompassing exon(s) 13-17 of the DMD gene. This deletion is out-of-frame, and is expected to create a premature termination codon and result in an absent or disrupted protein product. Loss-of-function variants in DMD are known to be pathogenic (PMID: 16770791, 25007885).

Literature cited by the submitters: PubMed 14977063; PubMed 16770791; PubMed 25007885.